The following is an entry in ClinVar:

ClinVar aggregate classification (germline): Uncertain significance. Review status: criteria provided, multiple submitters, no conflicts (2 of 4 stars). 2 submissions from 2 submitters: Uncertain significance (2). Last evaluated 2025-08-18.

Conditions:
Epidermolysis bullosa simplex 5B, with muscular dystrophy (EBS5B). Also called: Epidermolysis bullosa simplex with muscular dystrophy; EPIDERMOLYSIS BULLOSA SIMPLEX AND LIMB-GIRDLE MUSCULAR DYSTROPHY. Identifiers: Orphanet 257, MedGen C2931072, MONDO:0009181, OMIM 226670.
Epidermolysis bullosa simplex 5C, with pyloric atresia (EBS5C). Also called: PLEC1-Related Epidermolysis Bullosa with Pyloric Atresia; PLEC-Related Epidermolysis Bullosa with Pyloric Atresia; Epidermolysis bullosa simplex with pyloric atresia. Identifiers: Orphanet 158684, MedGen C2677349, MONDO:0012807, OMIM 612138.
Autosomal recessive limb-girdle muscular dystrophy type 2Q (LGMDR17). Also called: MUSCULAR DYSTROPHY, LIMB-GIRDLE, AUTOSOMAL RECESSIVE 17. Identifiers: Orphanet 254361, MedGen C3150989, MONDO:0013390, OMIM 613723.
Epidermolysis bullosa simplex, Ogna type (EBS5A). Also called: Pidermolysis bullosa simplex 5A, Ogna type; EPIDERMOLYSIS BULLOSA SIMPLEX 5A, OGNA TYPE. Identifiers: Orphanet 79401, MedGen C0432317, MONDO:0007555, OMIM 131950.
Epidermolysis bullosa simplex with nail dystrophy (EBS5D). Identifiers: MedGen C4225309, MONDO:0014661, OMIM 616487.

Allele frequency attached by ClinVar (database versions not stated): ExAC 0.00001; gnomAD 0.00001; gnomAD exomes 0.00001; TOPMed 0.00001.
gnomAD v4.1: 9 of 1,612,396 alleles (0.00056%); highest among the groups gnomAD compares: Middle Eastern, 0.016%; no homozygotes.

Submissions (2):

Labcorp Genetics (formerly Invitae), Labcorp
Classification: Uncertain significance for Autosomal recessive limb-girdle muscular dystrophy type 2Q; Epidermolysis bullosa simplex, Ogna type; Epidermolysis bullosa simplex with nail dystrophy; Epidermolysis bullosa simplex 5C, with pyloric atresia; Epidermolysis bullosa simplex 5B, with muscular dystrophy. Last evaluated: 2025-08-18. Review status: criteria provided, single submitter. Criteria: Invitae Variant Classification Sherloc (09022015). Collection method: clinical testing. Allele origin: germline.
Comment: This sequence change replaces threonine, which is neutral and polar, with methionine, which is neutral and non-polar, at codon 260 of the PLEC protein (p.Thr260Met). This variant is present in population databases (rs782174639, gnomAD 0.0009%). This variant has not been reported in the literature in individuals affected with PLEC-related conditions. ClinVar contains an entry for this variant (Variation ID: 1393306). Experimental studies and prediction algorithms are not available or were not evaluated, and the functional significance of this variant is currently unknown. In summary, the available evidence is currently insufficient to determine the role of this variant in disease. Therefore, it has been classified as a Variant of Uncertain Significance.

Revvity Omics, Revvity
Classification: Uncertain significance. Last evaluated: 2021-03-24. Review status: criteria provided, single submitter. Criteria: ACMG Guidelines, 2015. Collection method: clinical testing. Allele origin: germline.

NM_201384.3(PLEC):c.698C>T (p.Thr233Met)

Gene: PLEC (plectin; minus strand). Cytogenetic location: 8q24.3.
Variant type: single nucleotide variant.
Coding change: c.698C>T on transcript NM_201384.3 (MANE Select); coding-DNA position 698, C replaced by T.
Protein change: p.Thr233Met; replaces threonine 233 with methionine.
Molecular consequence: missense variant.
Genome position (GRCh38, 1-based): chr8:143,935,218, G>A on the plus strand (C>T on the coding strand, the complement: PLEC is on the minus strand). VCF-style: chr8-143935218-G-A. GRCh37 (hg19) VCF-style: chr8-145009386-G-A.
Other names: c.779C>T, p.Thr260Met (NM_000445.5); c.656C>T, p.Thr219Met (NM_201378.4); c.632C>T, p.Thr211Met (NM_201379.3); c.1109C>T, p.Thr370Met (NM_201380.4); c.602C>T, p.Thr201Met (NM_201381.3); c.698C>T, p.Thr233Met (NM_201382.4); c.710C>T, p.Thr237Met (NM_201383.3); short protein forms T201M, T211M, T237M, T219M, T233M, T260M, T370M.
Identifiers: ClinVar variation 1393306 (VCV001393306.10), dbSNP rs782174639, ClinGen allele CA4928349.